The following is an entry in ClinVar:

ClinVar aggregate classification (germline): Uncertain significance. Review status: criteria provided, multiple submitters, no conflicts (2 of 4 stars). 2 submissions from 2 submitters: Uncertain significance (2). Last evaluated 2022-07-08.

Conditions:
Cardiovascular phenotype. Identifiers: MedGen CN230736.
Capillary malformation-arteriovenous malformation syndrome. Also called: Capillary malformation-arteriovenous malformation. Identifiers: Orphanet 137667, MedGen C1842180, MONDO:0012016.

Allele frequency attached by ClinVar (database versions not stated): TOPMed below 0.00001.

Submissions (2):

Ambry Genetics
Classification: Uncertain significance for Cardiovascular phenotype. Last evaluated: 2022-07-08. Review status: criteria provided, single submitter. Criteria: Ambry Variant Classification Scheme 2023. Collection method: clinical testing. Allele origin: germline.
Comment: The p.K118E variant (also known as c.352A>G), located in coding exon 1 of the RASA1 gene, results from an A to G substitution at nucleotide position 352. The lysine at codon 118 is replaced by glutamic acid, an amino acid with similar properties. This amino acid position is conserved. In addition, this alteration is predicted to be tolerated by in silico analysis. Since supporting evidence is limited at this time, the clinical significance of this alteration remains unclear.

Labcorp Genetics (formerly Invitae), Labcorp
Classification: Uncertain significance for Capillary malformation-arteriovenous malformation syndrome. Last evaluated: 2021-07-21. Review status: criteria provided, single submitter. Criteria: Invitae Variant Classification Sherloc (09022015). Collection method: clinical testing. Allele origin: germline.
Comment: This variant is not present in population databases (ExAC no frequency). This sequence change replaces lysine with glutamic acid at codon 118 of the RASA1 protein (p.Lys118Glu). The lysine residue is weakly conserved and there is a small physicochemical difference between lysine and glutamic acid. In summary, the available evidence is currently insufficient to determine the role of this variant in disease. Therefore, it has been classified as a Variant of Uncertain Significance. Algorithms developed to predict the effect of missense changes on protein structure and function (SIFT, PolyPhen-2, Align-GVGD) all suggest that this variant is likely to be tolerated. This variant has not been reported in the literature in individuals affected with RASA1-related conditions.

NM_002890.3(RASA1):c.352A>G (p.Lys118Glu)

Gene: RASA1 (RAS p21 protein activator 1; plus strand). Cytogenetic location: 5q14.3.
Variant type: single nucleotide variant.
Coding change: c.352A>G on transcript NM_002890.3 (MANE Select); coding-DNA position 352, A replaced by G.
Protein change: p.Lys118Glu; replaces lysine 118 with glutamic acid.
Molecular consequence: missense variant.
Genome position (GRCh38, 1-based): chr5:87,268,803, A>G. VCF-style: chr5-87268803-A-G. GRCh37 (hg19) VCF-style: chr5-86564620-A-G.
Other names: short protein forms K118E.
Identifiers: ClinVar variation 1428730 (VCV001428730.10), dbSNP rs1580179229, ClinGen allele CA360417227.